The following is an entry in ClinVar:

ClinVar aggregate classification (germline): Uncertain significance (1 of 4 stars; one submission).

Allele frequency attached by ClinVar (database versions not stated): gnomAD exomes 0.00001; ExAC 0.00002; gnomAD 0.00003; TOPMed 0.00003.
gnomAD v4.1: 9 of 1,614,090 alleles (0.00056%); highest among the groups gnomAD compares: African/African-American, 0.008%; no homozygotes.

Submission:

Labcorp Genetics (formerly Invitae), Labcorp
Classification: Uncertain significance. Last evaluated: 2025-11-08. Review status: criteria provided, single submitter. Criteria: Invitae Variant Classification Sherloc (09022015). Collection method: clinical testing. Allele origin: germline.
Comment: This sequence change replaces leucine, which is neutral and non-polar, with valine, which is neutral and non-polar, at codon 633 of the RFWD3 protein (p.Leu633Val). This variant is present in population databases (rs779783050, gnomAD 0.02%). This variant has not been reported in the literature in individuals affected with RFWD3-related conditions. ClinVar contains an entry for this variant (Variation ID: 2417707). An algorithm developed to predict the effect of missense changes on protein structure and function outputs the following: PolyPhen-2: "Benign". The valine amino acid residue is found in multiple mammalian species, which suggests that this missense change does not adversely affect protein function. In summary, the available evidence is currently insufficient to determine the role of this variant in disease. Therefore, it has been classified as a Variant of Uncertain Significance.

NM_018124.4(RFWD3):c.1897T>G (p.Leu633Val)

Gene: RFWD3 (ring finger and WD repeat domain 3; minus strand). Cytogenetic location: 16q23.1.
Variant type: single nucleotide variant.
Coding change: c.1897T>G on transcript NM_018124.4 (MANE Select); coding-DNA position 1897, T replaced by G.
Protein change: p.Leu633Val; replaces leucine 633 with valine.
Molecular consequence: missense variant.
Genome position (GRCh38, 1-based): chr16:74,628,524, A>C on the plus strand (T>G on the coding strand, the complement: RFWD3 is on the minus strand). VCF-style: chr16-74628524-A-C. GRCh37 (hg19) VCF-style: chr16-74662422-A-C.
Other names: c.1897T>G, p.Leu633Val (NM_001370534.1, NM_001370535.1); c.1720T>G, p.Leu574Val (NM_001370536.1); c.1063T>G, p.Leu355Val (NM_001370537.1, NM_001370539.1, NM_001370540.1 and 3 more transcripts); short protein forms L355V, L574V, L633V.
Identifiers: ClinVar variation 2417707 (VCV002417707.6), dbSNP rs779783050, ClinGen allele CA8169043.
Genomic context (GRCh38, chr16:74,628,524, plus strand): 5'-TCACAAGACAGTGCCGGGAGCTGTTCTCTGTCTGAAAGTCTATGCAGCCCCCTGGCTCCA[A>C]GGGCAGCACATGAGGCCAATGAGAAAAGTCCATTTTCTGTTCCCAGAATGAAGCATCCTC-3'
Protein context (NP_060594.3, residues 623-643): DFSHWPHVLP[Leu633Val]EPGGCIDFQT